The following is an entry in ClinVar:

ClinVar aggregate classification (germline): Pathogenic (1 of 4 stars; one submission).

Submission:

GeneDx
Classification: Pathogenic. Last evaluated: 2015-07-09. Review status: criteria provided, single submitter. Criteria: GeneDx Variant Classification (06012015). Collection method: clinical testing. Allele origin: germline. Affected: yes.
Comment: This mutation is predicted to cause loss of normal protein function either through protein truncation or nonsense-mediated mRNA decay. The C702X mutation was not observed in approximately 6,500 individuals of European and African American ancestry in the NHLBI Exome Sequencing Project, indicating it is not a common benign variant in these populations. This variant was found in JAG1

NM_000214.3(JAG1):c.2106C>A (p.Cys702Ter)

Gene: JAG1 (jagged canonical Notch ligand 1; minus strand). Cytogenetic location: 20p12.2.
Variant type: single nucleotide variant.
Coding change: c.2106C>A on transcript NM_000214.3 (MANE Select); coding-DNA position 2106, C replaced by A.
Protein change: p.Cys702Ter; replaces cysteine 702 with a stop codon.
Molecular consequence: nonsense.
Genome position (GRCh38, 1-based): chr20:10,645,363, G>T on the plus strand (C>A on the coding strand, the complement: JAG1 is on the minus strand). VCF-style: chr20-10645363-G-T. GRCh37 (hg19) VCF-style: chr20-10626011-G-T.
Other names: c.2106C>A, p.Cys702Ter (LRG_1191t1); short protein forms C702*.
Identifiers: ClinVar variation 213567 (VCV000213567.2), dbSNP rs863223680, ClinGen allele CA324225.